The following is an entry in ClinVar:

NM_000376.3(VDR):c.685C>G (p.His229Asp)

Gene: VDR (vitamin D receptor; minus strand). Cytogenetic location: 12q13.11.
Variant type: single nucleotide variant.
Coding change: c.685C>G on transcript NM_000376.3 (MANE Select); coding-DNA position 685, C replaced by G.
Protein change: p.His229Asp; replaces histidine 229 with aspartic acid.
Molecular consequence: missense variant.
Genome position (GRCh38, 1-based): chr12:47,855,700, G>C on the plus strand (C>G on the coding strand, the complement: VDR is on the minus strand). VCF-style: chr12-47855700-G-C. GRCh37 (hg19) VCF-style: chr12-48249483-G-C.
Other names: c.685C>G, p.His229Asp (NM_001017535.2, NM_001364085.2, NM_001374661.1 and 1 more transcripts); c.835C>G, p.His279Asp (NM_001017536.2); short protein forms H229D, H279D.
Identifiers: ClinVar variation 3902151 (VCV003902151.1).

ClinVar aggregate classification (germline): Uncertain significance (1 of 4 stars; one submission).

Submission:

Women's Health and Genetics/Laboratory Corporation of America, LabCorp
Classification: Uncertain significance. Last evaluated: 2025-05-19. Review status: criteria provided, single submitter. Criteria: LabCorp Variant Classification Summary - May 2015. Collection method: clinical testing. Allele origin: germline.
Comment: Variant summary: VDR c.685C>G (p.His229Asp) results in a non-conservative amino acid change in the encoded protein sequence. Algorithms developed to predict the effect of missense changes on protein structure and function all suggest that this variant is likely to be disruptive. The variant was absent in 251466 control chromosomes. The available data on variant occurrences in the general population are insufficient to allow any conclusion about variant significance. To our knowledge, no occurrence of c.685C>G in individuals affected with Vitamin D-Dependent Rickets Type II With Alopecia and no experimental evidence demonstrating its impact on protein function have been reported. No submitters have cited clinical-significance assessments for this variant to ClinVar. Based on the evidence outlined above, the variant was classified as uncertain significance.